The following is an entry in ClinVar:

NM_001256789.3(CACNA1F):c.1225A>G (p.Thr409Ala)

Gene: CACNA1F (calcium voltage-gated channel subunit alpha1 F; minus strand). Cytogenetic location: Xp11.23.
Variant type: single nucleotide variant.
Coding change: c.1225A>G on transcript NM_001256789.3 (MANE Select); coding-DNA position 1225, A replaced by G.
Protein change: p.Thr409Ala; replaces threonine 409 with alanine.
Molecular consequence: missense variant.
Genome position (GRCh38, 1-based): chrX:49,227,021, T>C on the plus strand (A>G on the coding strand, the complement: CACNA1F is on the minus strand). VCF-style: chrX-49227021-T-C. GRCh37 (hg19) VCF-style: chrX-49083483-T-C.
Other names: c.1030A>G, p.Thr344Ala (NM_001256790.3); c.1225A>G, p.Thr409Ala (NM_005183.4); short protein forms T344A, T409A.
Identifiers: ClinVar variation 4739371 (VCV004739371.1).
Genomic context (GRCh38, chrX:49,227,021, plus strand): 5'-CCATAGAACCAAGGTTGTCATCGGCGGAGGGGTCCTCCATGTCCAGCTCTTCGGCTTGAG[T>C]GATCCAGTCCAGGTAGCCCCGCAGGTCTTCCTCCATCTGCTGCTTCTCCCGCTGCTTCTG-3'
Protein context (NP_001243718.1, residues 399-419): EDLRGYLDWI[Thr409Ala]QAEELDMEDP

ClinVar aggregate classification (germline): Uncertain significance (1 of 4 stars; one submission).

Submission:

Labcorp Genetics (formerly Invitae), Labcorp
Classification: Uncertain significance. Last evaluated: 2025-06-15. Review status: criteria provided, single submitter. Criteria: Invitae Variant Classification Sherloc (09022015). Collection method: clinical testing. Allele origin: germline.
Comment: This sequence change replaces threonine, which is neutral and polar, with alanine, which is neutral and non-polar, at codon 409 of the CACNA1F protein (p.Thr409Ala). This variant is not present in population databases (gnomAD no frequency). This variant has not been reported in the literature in individuals affected with CACNA1F-related conditions. Invitae Evidence Modeling of protein sequence and biophysical properties (such as structural, functional, and spatial information, amino acid conservation, physicochemical variation, residue mobility, and thermodynamic stability) indicates that this missense variant is not expected to disrupt CACNA1F protein function with a negative predictive value of 80%. In summary, the available evidence is currently insufficient to determine the role of this variant in disease. Therefore, it has been classified as a Variant of Uncertain Significance.